The following is an entry in ClinVar:

ClinVar aggregate classification (germline): Uncertain significance (1 of 4 stars; one submission).

Submission:

CeGaT Center for Human Genetics Tuebingen
Classification: Uncertain significance. Last evaluated: 2024-07-01. Review status: criteria provided, single submitter. Criteria: CeGaT Center For Human Genetics Tuebingen Variant Classification Criteria Version 2. Collection method: clinical testing. Allele origin: germline. Affected: yes. Observed: 1 variant allele.
Comment: SMARCA4: PM2, PP2, PP3

NM_003072.5(SMARCA4):c.1100T>C (p.Leu367Pro)

Gene: SMARCA4 (SWI/SNF related BAF chromatin remodeling complex subunit ATPase 4; plus strand). Cytogenetic location: 19p13.2.
Variant type: single nucleotide variant.
Coding change: c.1100T>C on transcript NM_003072.5 (MANE Select); coding-DNA position 1100, T replaced by C.
Protein change: p.Leu367Pro; replaces leucine 367 with proline.
Molecular consequence: missense variant. On other transcripts: non-coding transcript variant (1).
Genome position (GRCh38, 1-based): chr19:10,987,906, T>C. VCF-style: chr19-10987906-T-C. GRCh37 (hg19) VCF-style: chr19-11098582-T-C.
Other names: c.1100T>C, p.Leu367Pro (NM_001411150.1, NM_001128844.3, NM_001128845.2 and 6 more transcripts); short protein forms L367P.
Identifiers: ClinVar variation 3257361 (VCV003257361.17).